The following is an entry in ClinVar:

ClinVar aggregate classification (germline): Uncertain significance (1 of 4 stars; one submission).

Conditions:
Hypertrophic cardiomyopathy. Also called: HYPERTROPHIC MYOCARDIOPATHY. Identifiers: Orphanet 217569, MedGen C0007194, MeSH D002312, MONDO:0005045, HP:0001639.

Submission:

Labcorp Genetics (formerly Invitae), Labcorp
Classification: Uncertain significance for Hypertrophic cardiomyopathy. Last evaluated: 2023-08-06. Review status: criteria provided, single submitter. Criteria: Invitae Variant Classification Sherloc (09022015). Collection method: clinical testing. Allele origin: unknown.
Comment: This variant results in a copy number gain of the genomic region encompassing exon(s) 34-40 of the MYH7 gene. This region includes the termination codon of the gene. This copy number gain extends beyond the assayed region for this gene and therefore may encompass additional genes. As the precise location of this event is unknown, it may be in tandem or it may be located elsewhere in the genome. In summary, the available evidence is currently insufficient to determine the role of this variant in disease. Therefore, it has been classified as a Variant of Uncertain Significance. This variant has not been reported in the literature in individuals affected with MYH7-related conditions.

NC_000014.8:g.(?_23882063)_(23885541_?)dup

Gene: MYH7 (myosin heavy chain 7; minus strand). Cytogenetic location: 14q11.2.
Variant type: Duplication.
Identifiers: ClinVar variation 3243938 (VCV003243938.1).